The following is an entry in ClinVar:

ClinVar aggregate classification (germline): Benign. Review status: criteria provided, single submitter (1 of 4 stars). 2 submissions from 2 submitters: Benign (1). 1 of the submissions does not count toward it. Last evaluated 2024-07-01.

Conditions:
COL6A5-related disorder. Also called: COL6A5-related condition.

Allele frequency attached by ClinVar (database versions not stated): TOPMed 0.00046; 1000 Genomes Project 30x 0.00094; gnomAD exomes 0.00127; 1000 Genomes Project 0.00160; ExAC 0.00203; gnomAD 0.00245.
gnomAD v4.1: 2,174 of 1,550,492 alleles (0.14%); highest among the groups gnomAD compares: Middle Eastern, 0.034%; 27 homozygotes.

Submissions (3):

CeGaT Center for Human Genetics Tuebingen
Classification: Benign. Last evaluated: 2024-07-01. Review status: criteria provided, single submitter. Criteria: CeGaT Center For Human Genetics Tuebingen Variant Classification Criteria Version 2. Collection method: clinical testing. Allele origin: germline. Affected: yes. Observed: 3 variant alleles.
Comment: COL6A5: BS1, BS2

PreventionGenetics, part of Exact Sciences
Classification: Benign for COL6A5-related condition. Last evaluated: 2020-11-10. Review status: no assertion criteria provided. Collection method: clinical testing. Allele origin: germline. Not counted in ClinVar's aggregate classification.
Comment: This variant is classified as benign based on ACMG/AMP sequence variant interpretation guidelines (Richards et al. 2015 PMID: 25741868, with internal and published modifications).

Dr. Peter K. Rogan Lab, Western University
No classification provided (evidence only). Condition: Acute myeloid leukemia. Review status: no classification provided. Collection method: in vitro. Allele origin: not applicable. Functional consequence: retained intron. Not counted in ClinVar's aggregate classification.

NM_001278298.2(COL6A5):c.4951-1G>T

Gene: COL6A5 (collagen type VI alpha 5 chain; plus strand). Cytogenetic location: 3q22.1.
Variant type: single nucleotide variant.
Coding change: c.4951-1G>T on transcript NM_001278298.2 (MANE Select); the canonical splice acceptor site of the intron before coding-DNA position 4951, G replaced by T.
Molecular consequence: splice acceptor variant.
Genome position (GRCh38, 1-based): chr3:130,421,152, G>T. VCF-style: chr3-130421152-G-T. GRCh37 (hg19) VCF-style: chr3-130139996-G-T.
Other names: NC_000003.11:g.130139996G>T; c.4951-1G>T (NM_001278298.1, NM_153264.7).
Identifiers: ClinVar variation 2654132 (VCV002654132.26), dbSNP rs139339125, ClinGen allele CA2611238.